The following is an entry in ClinVar:

ClinVar aggregate classification (germline): Conflicting classifications of pathogenicity. Review status: criteria provided, conflicting classifications (1 of 4 stars). 2 submissions from 2 submitters: Likely pathogenic (1); Uncertain significance (1). Last evaluated 2026-04-30.

Conditions:
Hereditary cancer-predisposing syndrome. Also called: Neoplastic Syndromes, Hereditary; Tumor predisposition; Hereditary Cancer Syndrome; Hereditary neoplastic syndrome. Identifiers: Orphanet 140162, MedGen C0027672, MeSH D009386, MONDO:0015356.
Hereditary diffuse gastric adenocarcinoma (HDGC). Also called: DIFFUSE GASTRIC AND LOBULAR BREAST CANCER SYNDROME. Identifiers: Orphanet 26106, MedGen C1708349, MONDO:0007648, OMIM 137215.

Submissions (2):

Ambry Genetics
Classification: Likely pathogenic for Hereditary cancer-predisposing syndrome. Last evaluated: 2026-04-30. Review status: criteria provided, single submitter. Criteria: Ambry Variant Classification Scheme 2023. Collection method: clinical testing. Allele origin: germline.
Comment: The c.1596G>T variant (also known as p.W532C), located in coding exon 11 of the CDH1 gene, results from a G to T substitution at nucleotide position 1596. The tryptophan at codon 532 is replaced by cysteine, an amino acid with highly dissimilar properties. This variant was reported in individual(s) with features consistent with CDH1-related disease (Ambry internal data). This variant is considered to be rare based on population cohorts in the Genome Aggregation Database (gnomAD). This nucleotide position is highly conserved in available vertebrate species. RNA studies have demonstrated that this alteration results in abnormal splicing in the set of samples tested (Ambry internal data). This amino acid position is highly conserved in available vertebrate species. In addition, this alteration is predicted to be deleterious by in silico analysis. Based on the majority of available evidence to date, this variant is likely to be pathogenic.

Labcorp Genetics (formerly Invitae), Labcorp
Classification: Uncertain significance for Hereditary diffuse gastric adenocarcinoma. Last evaluated: 2025-06-19. Review status: criteria provided, single submitter. Criteria: Invitae Variant Classification Sherloc (09022015). Collection method: clinical testing. Allele origin: germline.
Comment: This sequence change replaces tryptophan, which is neutral and slightly polar, with cysteine, which is neutral and slightly polar, at codon 532 of the CDH1 protein (p.Trp532Cys). This variant is not present in population databases (gnomAD no frequency). This variant has not been reported in the literature in individuals affected with CDH1-related conditions. ClinVar contains an entry for this variant (Variation ID: 3224152). An algorithm developed to predict the effect of missense changes on protein structure and function (PolyPhen-2) suggests that this variant is likely to be disruptive. In summary, the available evidence is currently insufficient to determine the role of this variant in disease. Therefore, it has been classified as a Variant of Uncertain Significance.

NM_004360.5(CDH1):c.1596G>T (p.Trp532Cys)

Gene: CDH1 (cadherin 1; plus strand). Cytogenetic location: 16q22.1.
Variant type: single nucleotide variant.
Coding change: c.1596G>T on transcript NM_004360.5 (MANE Select); coding-DNA position 1596, G replaced by T.
Protein change: p.Trp532Cys; replaces tryptophan 532 with cysteine.
Molecular consequence: missense variant. On other transcripts: intron variant (1).
Genome position (GRCh38, 1-based): chr16:68,819,310, G>T. VCF-style: chr16-68819310-G-T. GRCh37 (hg19) VCF-style: chr16-68853213-G-T.
Other names: c.1413G>T, p.Trp471Cys (NM_001317184.2); c.48G>T, p.Trp16Cys (NM_001317185.2); c.-254-2691G>T (NM_001317186.2); short protein forms W16C, W471C, W532C.
Identifiers: ClinVar variation 3224152 (VCV003224152.3), dbSNP rs2152136800, ClinGen allele CA396464973.